The following is an entry in ClinVar:

NM_000587.4(C7):c.2488A>C (p.Ile830Leu)

Gene: C7 (complement C7; plus strand). Cytogenetic location: 5p13.1.
Variant type: single nucleotide variant.
Coding change: c.2488A>C on transcript NM_000587.4 (MANE Select); coding-DNA position 2488, A replaced by C.
Protein change: p.Ile830Leu; replaces isoleucine 830 with leucine.
Molecular consequence: missense variant.
Genome position (GRCh38, 1-based): chr5:40,981,529, A>C. VCF-style: chr5-40981529-A-C. GRCh37 (hg19) VCF-style: chr5-40981631-A-C.
Other names: short protein forms I830L.
Identifiers: ClinVar variation 1488503 (VCV001488503.6), dbSNP rs2111737050, ClinGen allele CA359596544.

ClinVar aggregate classification (germline): Uncertain significance (1 of 4 stars; one submission).

Submission:

Labcorp Genetics (formerly Invitae), Labcorp
Classification: Uncertain significance. Last evaluated: 2021-10-20. Review status: criteria provided, single submitter. Criteria: Invitae Variant Classification Sherloc (09022015). Collection method: clinical testing. Allele origin: germline.
Comment: In summary, the available evidence is currently insufficient to determine the role of this variant in disease. Therefore, it has been classified as a Variant of Uncertain Significance. Algorithms developed to predict the effect of missense changes on protein structure and function output the following: SIFT: "Tolerated"; PolyPhen-2: "Benign"; Align-GVGD: "Class C0". The leucine amino acid residue is found in multiple mammalian species, which suggests that this missense change does not adversely affect protein function. This variant has not been reported in the literature in individuals affected with C7-related conditions. This variant is not present in population databases (ExAC no frequency). This sequence change replaces isoleucine with leucine at codon 830 of the C7 protein (p.Ile830Leu). The isoleucine residue is weakly conserved and there is a small physicochemical difference between isoleucine and leucine.